The following is an entry in ClinVar:

NM_001382273.1(TNK2):c.-18-6791C>G

Gene: TNK2 (tyrosine kinase non receptor 2; minus strand). Cytogenetic location: 3q29.
Variant type: single nucleotide variant.
Coding change: c.-18-6791C>G on transcript NM_001382273.1 (MANE Select); 6791 bases into the intron before 18 bases upstream of the start codon, C replaced by G.
Molecular consequence: intron variant.
Genome position (GRCh38, 1-based): chr3:195,895,397, G>C on the plus strand (C>G on the coding strand, the complement: TNK2 is on the minus strand). VCF-style: chr3-195895397-G-C. GRCh37 (hg19) VCF-style: chr3-195622268-G-C.
Other names: c.-18-6791C>G (NM_001387720.1, NM_005781.5, NM_001386164.1 and 1 more transcripts); c.-19+1770C>G (NM_001387714.1); c.-19+1346C>G (NM_001387711.1); c.-19+656C>G (NM_001387721.1, NM_001387710.1); c.-19+498C>G (NM_001387719.1, NM_001387713.1, NM_001387712.1 and 2 more transcripts); short protein forms P7R.
Identifiers: ClinVar variation 1952712 (VCV001952712.7), dbSNP rs747891655, ClinGen allele CA2777149.
Genomic context (GRCh38, chr3:195,895,397, plus strand): 5'-AGCAGCGCCCGCAGCCCCCGCCCCGCAGCGGCACCGGCAGCGTCACTGCCCTGCGTCCTG[G>C]GGGGCCGGGCCTCGAGCATCCTCCAGAAGTGCAGGGCCGCTACTGCGTCTCAGCCCCCAT-3'

ClinVar aggregate classification (germline): Uncertain significance. Review status: criteria provided, multiple submitters, no conflicts (2 of 4 stars). 2 submissions from 2 submitters: Uncertain significance (2). Last evaluated 2026-01-06.

Allele frequency attached by ClinVar (database versions not stated): 1000 Genomes Project 30x 0.00016; ExAC 0.00030.
gnomAD v4.1: 529 of 1,537,518 alleles (0.034%); highest among the groups gnomAD compares: Middle Eastern, 0.16%; no homozygotes.

Submissions (2):

Labcorp Genetics (formerly Invitae), Labcorp
Classification: Uncertain significance. Last evaluated: 2026-01-06. Review status: criteria provided, single submitter. Criteria: Invitae Variant Classification Sherloc (09022015). Collection method: clinical testing. Allele origin: germline.
Comment: This sequence change replaces proline, which is neutral and non-polar, with arginine, which is basic and polar, at codon 7 of the TNK2 protein (p.Pro7Arg). This variant is present in population databases (rs747891655, gnomAD 0.04%). This variant has not been reported in the literature in individuals affected with TNK2-related conditions. ClinVar contains an entry for this variant (Variation ID: 1952712). An algorithm developed to predict the effect of missense changes on protein structure and function outputs the following: PolyPhen-2: "Possibly Damaging". The arginine amino acid residue is found in multiple mammalian species, which suggests that this missense change does not adversely affect protein function. In summary, the available evidence is currently insufficient to determine the role of this variant in disease. Therefore, it has been classified as a Variant of Uncertain Significance.

Ambry Genetics
Classification: Uncertain significance. Last evaluated: 2024-06-07. Review status: criteria provided, single submitter. Criteria: Ambry Variant Classification Scheme 2023. Collection method: clinical testing. Allele origin: germline.